The following is an entry in ClinVar:

ClinVar aggregate classification (germline): Uncertain significance (1 of 4 stars; one submission).

Conditions:
Spinocerebellar ataxia, autosomal recessive, with axonal neuropathy 2 (SCAN2). Also called: ATAXIA-OCULOMOTOR APRAXIA 2; Ataxia with Oculomotor Apraxia; Ataxia-ocular apraxia-2; Ataxia with Oculomotor Apraxia Type 2. Identifiers: Orphanet 64753, MedGen C1853761, MONDO:0018996, OMIM 606002.
Amyotrophic lateral sclerosis type 4 (ALS4). Also called: AMYOTROPHIC LATERAL SCLEROSIS 4, JUVENILE; NEURONOPATHY, DISTAL HEREDITARY MOTOR, WITH PYRAMIDAL FEATURES. Identifiers: Orphanet 357043, MedGen C1865409, MONDO:0011223, OMIM 602433.

Submission:

Labcorp Genetics (formerly Invitae), Labcorp
Classification: Uncertain significance for Amyotrophic lateral sclerosis type 4; Spinocerebellar ataxia, autosomal recessive, with axonal neuropathy 2. Last evaluated: 2025-10-03. Review status: criteria provided, single submitter. Criteria: Invitae Variant Classification Sherloc (09022015). Collection method: clinical testing. Allele origin: germline.
Comment: This variant, c.4728_4730del, results in the deletion of 1 amino acid(s) of the SETX protein (p.Glu1576del), but otherwise preserves the integrity of the reading frame. This variant is present in population databases (rs777329091, gnomAD 0.007%). This variant has not been reported in the literature in individuals affected with SETX-related conditions. Experimental studies and prediction algorithms are not available or were not evaluated, and the functional significance of this variant is currently unknown. In summary, the available evidence is currently insufficient to determine the role of this variant in disease. Therefore, it has been classified as a Variant of Uncertain Significance.

NM_015046.7(SETX):c.4728_4730del (p.Glu1576del)

Gene: SETX (senataxin; minus strand). Cytogenetic location: 9q34.13.
Variant type: Deletion.
Coding change: c.4728_4730del on transcript NM_015046.7 (MANE Select); coding-DNA positions 4728 to 4730, 3 bases deleted (AGA; older notation c.4728_4730delAGA).
Protein change: p.Glu1576del; deletes glutamic acid 1576.
Genome position (GRCh38, 1-based): chr9:132,326,868-132,326,870, TCT deleted on the plus strand (AGA on the coding strand, the reverse complement: SETX is on the minus strand); deleting any 3 consecutive bases within chr9:132,326,868-132,326,872 gives the same sequence; the c. name uses the placement nearest the transcript's 3' end. VCF-style (leftmost placement, unchanged base first): chr9-132326867-ATCT-A. GRCh37 (hg19) VCF-style: chr9-135202254-ATCT-A.
Other names: c.4728_4730del, p.Glu1576del (NM_001351527.2, NM_001351528.2); short protein forms E1576del.
Identifiers: ClinVar variation 4788697 (VCV004788697.1).